The following is an entry in ClinVar:

ClinVar aggregate classification (germline): Uncertain significance (1 of 4 stars; one submission).

Conditions:
DICER1-related tumor predisposition. Also called: DICER1 syndrome; DICER1-related pleuropulmonary blastoma cancer predisposition syndrome. Identifiers: Orphanet 284343, MedGen C3839822, MONDO:0100216.

Submission:

Labcorp Genetics (formerly Invitae), Labcorp
Classification: Uncertain significance for DICER1-related tumor predisposition. Last evaluated: 2024-01-11. Review status: criteria provided, single submitter. Criteria: Invitae Variant Classification Sherloc (09022015). Collection method: clinical testing. Allele origin: germline.
Comment: This sequence change replaces leucine, which is neutral and non-polar, with phenylalanine, which is neutral and non-polar, at codon 1912 of the DICER1 protein (p.Leu1912Phe). This variant is not present in population databases (gnomAD no frequency). This variant has not been reported in the literature in individuals affected with DICER1-related conditions. An algorithm developed to predict the effect of missense changes on protein structure and function (PolyPhen-2) suggests that this variant is likely to be disruptive. In summary, the available evidence is currently insufficient to determine the role of this variant in disease. Therefore, it has been classified as a Variant of Uncertain Significance.

NM_177438.3(DICER1):c.5734C>T (p.Leu1912Phe)

Gene: DICER1 (dicer 1, ribonuclease III; minus strand). Cytogenetic location: 14q32.13.
Variant type: single nucleotide variant.
Coding change: c.5734C>T on transcript NM_177438.3 (MANE Select); coding-DNA position 5734, C replaced by T.
Protein change: p.Leu1912Phe; replaces leucine 1912 with phenylalanine.
Molecular consequence: missense variant. On other transcripts: non-coding transcript variant (6), 3 prime UTR variant (1).
Genome position (GRCh38, 1-based): chr14:95,090,533, G>A on the plus strand (C>T on the coding strand, the complement: DICER1 is on the minus strand). VCF-style: chr14-95090533-G-A. GRCh37 (hg19) VCF-style: chr14-95556870-G-A.
Other names: c.*81C>T (NM_001195573.1); c.5734C>T, p.Leu1912Phe (NM_001271282.3, NM_001291628.2, NM_001395677.1 and 8 more transcripts); c.5452C>T, p.Leu1818Phe (NM_001395686.1); c.5329C>T, p.Leu1777Phe (NM_001395687.1, NM_001395688.1, NM_001395689.1 and 1 more transcripts); c.5167C>T, p.Leu1723Phe (NM_001395691.1); c.4051C>T, p.Leu1351Phe (NM_001395697.1); short protein forms L1351F, L1723F, L1818F, L1912F, L1777F.
Identifiers: ClinVar variation 2708716 (VCV002708716.3), dbSNP rs2542390047, ClinGen allele CA390862997.
Genomic context (GRCh38, chr14:95,090,533, plus strand): 5'-TTGTTTTGAATTTTAAAAAGCGGTTTCAGCTATTGGGAACCTGAGGTTGATTAGCTTTGA[G>A]GCTTCGGAGGGCTCTTCTTGCTGCTGCAGATTTGGCAATCCTGTAACTTCGACCAACACC-3'
Protein context (NP_803187.1, residues 1902-1922): SAAARRALRS[Leu1912Phe]KANQPQVPNS